The following is an entry in ClinVar:

ClinVar aggregate classification (germline): Likely benign. Review status: criteria provided, multiple submitters, no conflicts (2 of 4 stars). 6 submissions from 6 submitters: Likely benign (5). 1 of the submissions does not count toward it. Last evaluated 2025-09-24.

Conditions:
Marfan syndrome (MFS). Also called: MARFAN SYNDROME, TYPE I; FBN1-Related Marfan Syndrome; Marfan syndrome type 1; Marfan's syndrome; Marfan syndrome, classic. Identifiers: Orphanet 284963, Orphanet 558, MedGen C0024796, MONDO:0007947, OMIM 154700.
Familial thoracic aortic aneurysm and aortic dissection (TAAD). Also called: Thoracic aortic aneurysms and dissections. Identifiers: Orphanet 91387, MedGen C4707243, MONDO:0019625.
FBN1-related disorder. Also called: FBN1-related disorders.

Allele frequency attached by ClinVar (database versions not stated): TOPMed 0.00002.
gnomAD v4.1: 30 of 1,613,982 alleles (0.0019%); highest among the groups gnomAD compares: South Asian, 0.018%; no homozygotes.

Submissions (6):

Labcorp Genetics (formerly Invitae), Labcorp
Classification: Likely benign for Marfan syndrome; Familial thoracic aortic aneurysm and aortic dissection. Last evaluated: 2025-09-24. Review status: criteria provided, single submitter. Criteria: Invitae Variant Classification Sherloc (09022015). Collection method: clinical testing. Allele origin: germline.

Women's Health and Genetics/Laboratory Corporation of America, LabCorp
Classification: Likely benign. Last evaluated: 2024-12-06. Review status: criteria provided, single submitter. Criteria: LabCorp Variant Classification Summary - May 2015. Collection method: clinical testing. Allele origin: germline.

All of Us Research Program, National Institutes of Health
Classification: Likely benign for Marfan syndrome. Last evaluated: 2024-02-05. Review status: criteria provided, single submitter. Criteria: ACMG Guidelines, 2015. Collection method: clinical testing. Allele origin: germline. Inheritance: Autosomal dominant inheritance. Observed: 5 variant alleles, 5 heterozygotes.
Comment: This study involves interpretation of variants in research participants for the purpose of population health screening. Participant phenotype was not available at the time of variant classification. Additional details can be found in publication PMID: 35346344, PMCID: PMC8962531

Ambry Genetics
Classification: Likely benign for Familial thoracic aortic aneurysm and aortic dissection. Last evaluated: 2022-05-17. Review status: criteria provided, single submitter. Criteria: Ambry Variant Classification Scheme 2023. Collection method: clinical testing. Allele origin: germline.

Color Diagnostics, LLC DBA Color Health
Classification: Likely benign for Familial thoracic aortic aneurysm and aortic dissection. Last evaluated: 2019-08-02. Review status: criteria provided, single submitter. Criteria: ACMG Guidelines, 2015. Collection method: clinical testing. Allele origin: germline.

PreventionGenetics, part of Exact Sciences
Classification: Likely benign for FBN1-related condition. Last evaluated: 2022-06-24. Review status: no assertion criteria provided. Collection method: clinical testing. Allele origin: germline. Not counted in ClinVar's aggregate classification.
Comment: This variant is classified as likely benign based on ACMG/AMP sequence variant interpretation guidelines (Richards et al. 2015 PMID: 25741868, with internal and published modifications).

Literature cited by the submitters: PubMed 25625332 (cited by Women's Health and Genetics/Laboratory Corporation of America, LabCorp).

NM_000138.5(FBN1):c.6987C>T (p.Asp2329=)

Gene: FBN1 (fibrillin 1; minus strand). Cytogenetic location: 15q21.1.
Variant type: single nucleotide variant.
Coding change: c.6987C>T on transcript NM_000138.5 (MANE Select); coding-DNA position 6987, C replaced by T.
Protein change: p.Asp2329=; no amino-acid change (aspartic acid 2329 retained).
Molecular consequence: synonymous variant.
Genome position (GRCh38, 1-based): chr15:48,428,356, G>A on the plus strand (C>T on the coding strand, the complement: FBN1 is on the minus strand). VCF-style: chr15-48428356-G-A. GRCh37 (hg19) VCF-style: chr15-48720553-G-A.
Identifiers: ClinVar variation 727124 (VCV000727124.17), dbSNP rs363831, ClinGen allele CA057654.
Genomic context (GRCh38, chr15:48,428,356, plus strand): 5'-TCCCAGTGTGGAGGCTGAGGTTAGGAAAGTGCGGTGCCAACTGTACTCACCAAGGCACTC[G>A]TCCTGGTTGGGGCTGGCGGTAAACCCATCATTACACTCACAGGTGTAGCTCCCACGGGTG-3'
Protein context (NP_000129.3, residues 2319-2339): NDGFTASPNQ[Asp2329=]ECLDNREGYC